The following is an entry in ClinVar:

NM_007078.3(LDB3):c.80T>C (p.Leu27Pro)

Gene: LDB3 (LIM domain binding 3; plus strand). Cytogenetic location: 10q23.2.
Variant type: single nucleotide variant.
Coding change: c.80T>C on transcript NM_007078.3 (MANE Select); coding-DNA position 80, T replaced by C.
Protein change: p.Leu27Pro; replaces leucine 27 with proline.
Molecular consequence: missense variant.
Genome position (GRCh38, 1-based): chr10:86,668,771, T>C. VCF-style: chr10-86668771-T-C. GRCh37 (hg19) VCF-style: chr10-88428528-T-C.
Other names: c.80T>C, p.Leu27Pro (NM_001080116.1, NM_001080114.2, NM_001080115.2 and 8 more transcripts); short protein forms L27P.
Identifiers: ClinVar variation 372570 (VCV000372570.12), dbSNP rs1057517864, ClinGen allele CA16042803.
Genomic context (GRCh38, chr10:86,668,771, plus strand): 5'-TGACTGGGCCCGGGCCCTGGGGCTTCCGTCTGCAGGGGGGCAAGGACTTCAACATGCCCC[T>C]CACTATCTCCCGGGTGAGTGCACCCTGCCACAGCCTGGCACCCGATGGGGCAGGCACGCT-3'
Protein context (NP_009009.1, residues 17-37): LQGGKDFNMP[Leu27Pro]TISRITPGSK

ClinVar aggregate classification (germline): Uncertain significance. Review status: criteria provided, multiple submitters, no conflicts (2 of 4 stars). 4 submissions from 4 submitters: Uncertain significance (4). Last evaluated 2023-05-09.

Conditions:
Cardiovascular phenotype. Identifiers: MedGen CN230736.
Myofibrillar myopathy 4. Also called: Zaspopathy (type). Identifiers: Orphanet 98912, MedGen C4721886, MONDO:0012277, OMIM 609452.

Allele frequency attached by ClinVar (database versions not stated): gnomAD exomes 0.00001; TOPMed 0.00001.
gnomAD v4.1: 17 of 1,612,888 alleles (0.0011%); highest among the groups gnomAD compares: Non-Finnish European, 0.0014%; no homozygotes.

Submissions (4):

Blueprint Genetics
Classification: Uncertain significance. Last evaluated: 2023-05-09. Review status: criteria provided, single submitter. Criteria: ACMG Guidelines, 2015. Collection method: clinical testing. Allele origin: germline.

Ambry Genetics
Classification: Uncertain significance for Cardiovascular phenotype. Last evaluated: 2022-11-27. Review status: criteria provided, single submitter. Criteria: Ambry Variant Classification Scheme 2023. Collection method: clinical testing. Allele origin: germline.
Comment: The p.L27P variant (also known as c.80T>C), located in coding exon 1 of the LDB3 gene, results from a T to C substitution at nucleotide position 80. The leucine at codon 27 is replaced by proline, an amino acid with similar properties. This amino acid position is conserved. In addition, this alteration is predicted to be deleterious by in silico analysis. Since supporting evidence is limited at this time, the clinical significance of this alteration remains unclear.

Labcorp Genetics (formerly Invitae), Labcorp
Classification: Uncertain significance for Myofibrillar myopathy 4. Last evaluated: 2020-03-06. Review status: criteria provided, single submitter. Criteria: Invitae Variant Classification Sherloc (09022015). Collection method: clinical testing. Allele origin: germline.
Comment: In summary, the available evidence is currently insufficient to determine the role of this variant in disease. Therefore, it has been classified as a Variant of Uncertain Significance. Algorithms developed to predict the effect of missense changes on protein structure and function are either unavailable or do not agree on the potential impact of this missense change (SIFT: "Deleterious"; PolyPhen-2: "Probably Damaging"; Align-GVGD: "Class C0"). This variant has not been reported in the literature in individuals with LDB3-related conditions. ClinVar contains an entry for this variant (Variation ID: 372570). This variant is not present in population databases (ExAC no frequency). This sequence change replaces leucine with proline at codon 27 of the LDB3 protein (p.Leu27Pro). The leucine residue is moderately conserved and there is a moderate physicochemical difference between leucine and proline.

GeneDx
Classification: Uncertain significance. Last evaluated: 2016-12-13. Review status: criteria provided, single submitter. Criteria: GeneDx Variant Classification (06012015). Collection method: clinical testing. Allele origin: germline. Affected: yes.
Comment: A variant of uncertain significance has been identified in the LDB3 gene. The L27P variant has not been published as a pathogenic variant, nor has it been reported as a benign variant to our knowledge. This variant was not observed in approximately 6,500 individuals of European and African American ancestry in the NHLBI Exome Sequencing Project, indicating it is not a common benign variant in these populations. Thee L27P variant is a semi-conservative amino acid substitution, which may impact secondary protein structure as these residues differ in some properties. This substitution occurs at a position that is conserved across species and in silico analysis predicts this variant is probably damaging to the protein structure/function. However, this variant lacks observation in a significant number of affected individuals, segregation data, and functional evidence, which would further clarify its pathogenicity.